The following is an entry in ClinVar:

NM_001365951.3(KIF1B):c.3118_3126del (p.Tyr1040_Asn1042del)

Gene: KIF1B (kinesin family member 1B; plus strand). Cytogenetic location: 1p36.22.
Variant type: Deletion.
Coding change: c.3118_3126del on transcript NM_001365951.3 (MANE Select); coding-DNA positions 3118 to 3126, 9 bases deleted (TACTTTAAT; older notation c.3118_3126delTACTTTAAT).
Protein change: p.Tyr1040_Asn1042del.
Molecular consequence: inframe deletion.
Genome position (GRCh38, 1-based): chr1:10,336,731-10,336,739, TACTTTAAT deleted. VCF-style (leftmost placement, unchanged base first): chr1-10336730-ATACTTTAAT-A. GRCh37 (hg19) VCF-style: chr1-10396788-ATACTTTAAT-A.
Other names: c.3118_3126del, p.Tyr1040_Asn1042del (NM_001365952.1); c.2980_2988del, p.Tyr994_Asn996del (NM_015074.3); c.2980_2988delTACTTTAAT (NM_015074.3).
Identifiers: ClinVar variation 3226430 (VCV003226430.1), dbSNP rs2521716082, ClinGen allele CA2574206266.
Genomic context (GRCh38, chr1:10,336,730, plus strand): 5'-TCCTGATTATGGCTCTGGAATTCGACAGTCAGGAACAGCTAAAATATCTTTTGATAATGA[ATACTTTAAT>A]CAGGTGAGAAACCGTCAGGAAGAAGGAAAACCCTGTGGAAAGAGAAAGAATGTTCAGCAT-3'

ClinVar aggregate classification (germline): Uncertain significance (1 of 4 stars; one submission).

Allele frequency attached by ClinVar (database versions not stated): gnomAD exomes below 0.00001.

Submission:

Ambry Genetics
Classification: Uncertain significance. Last evaluated: 2023-11-13. Review status: criteria provided, single submitter. Criteria: Ambry Variant Classification Scheme 2023. Collection method: clinical testing. Allele origin: germline.
Comment: The c.2980_2988delTACTTTAAT variant (also known as p.Y994_N996del) is located in coding exon 26 of the KIF1B gene. This variant results from an in-frame TACTTTAAT deletion at nucleotide positions 2980 to 2988. This results in the in-frame deletion of YFN residues at codon 994 to 996. This amino acid region is not well conserved in available vertebrate species. In addition, this alteration is predicted to be deleterious by in silico analysis (Choi Y et al. PLoS ONE. 2012; 7(10):e46688). The evidence for this gene-disease relationship is limited; therefore, the clinical significance of this alteration is unclear.